The following is an entry in ClinVar:

NM_000528.4(MAN2B1):c.1A>G (p.Met1Val)

Genes: MAN2B1 (mannosidase alpha class 2B member 1; minus strand), LOC130063650 (ATAC-STARR-seq lymphoblastoid silent region 10156; plus strand). Cytogenetic location: 19p13.13.
Variant type: single nucleotide variant.
Coding change: c.1A>G on transcript NM_000528.4 (MANE Select); coding-DNA position 1, A replaced by G.
Protein change: p.Met1Val; changes the start codon (methionine 1).
Molecular consequence: missense variant, initiator codon variant.
Genome position (GRCh38, 1-based): chr19:12,666,701, T>C on the plus strand (A>G on the coding strand, the complement: MAN2B1 is on the minus strand). VCF-style: chr19-12666701-T-C. GRCh37 (hg19) VCF-style: chr19-12777515-T-C.
Other names: c.1A>G, p.Met1Val (NM_001173498.2); short protein forms M1V.
Identifiers: ClinVar variation 552319 (VCV000552319.14), dbSNP rs967834240, ClinGen allele CA305479309.

ClinVar aggregate classification (germline): Conflicting classifications of pathogenicity. Review status: criteria provided, conflicting classifications (1 of 4 stars). 8 submissions from 8 submitters: Likely pathogenic (1); Uncertain significance (6). 1 of the submissions does not count toward it. Last evaluated 2025-07-21.

Conditions:
Inborn genetic diseases. Identifiers: MedGen C0950123, MeSH D030342.
Deficiency of alpha-mannosidase (MANSA). Also called: LYSOSOMAL ALPHA-D-MANNOSIDASE DEFICIENCY; Mannosidosis, alpha-, types I and II; Alpha-Mannosidosis. Identifiers: Orphanet 61, MedGen C0024748, MONDO:0009561, OMIM 248500.

Allele frequency attached by ClinVar (database versions not stated): gnomAD 0.00002 and 0.00003; TOPMed 0.00008.

Submissions (8):

Natera, Inc.
Classification: Likely pathogenic for Alpha-mannosidosis. Last evaluated: 2025-07-21. Review status: criteria provided, single submitter. Criteria: Natera Variant Classification Schema (03/2026). Collection method: clinical testing. Allele origin: germline.
Comment: The c.1A>G variant in MAN2B1 is predicted to result in start loss due to disruption of the initiator methionine. This variant is expected to result in nonsense mediated decay, truncation, or a dysfunctional protein product. This variant is rare in the general population with a frequency below the threshold expected for the associated phenotype(s). Given the available evidence, this variant is classified as Likely Pathogenic.

Ambry Genetics
Classification: Uncertain significance for Inborn genetic diseases. Last evaluated: 2024-12-04. Review status: criteria provided, single submitter. Criteria: Ambry Variant Classification Scheme 2023. Collection method: clinical testing. Allele origin: germline.
Comment: Based on insufficient or conflicting evidence, the clinical significance of this alteration remains unclear.

Women's Health and Genetics/Laboratory Corporation of America, LabCorp
Classification: Uncertain significance. Last evaluated: 2022-11-08. Review status: criteria provided, single submitter. Criteria: LabCorp Variant Classification Summary - May 2015. Collection method: clinical testing. Allele origin: germline.
Comment: Variant summary: MAN2B1 c.1A>G (p.Met1Val) alters the initiation codon and is predicted to result either in absence of the protein or truncation of the encoded protein due to translation initiation at a downstream codon (Met24). The variant allele was found at a frequency of 8.9e-05 in 146180 control chromosomes. This frequency is not significantly higher than expected for a pathogenic variant in MAN2B1 causing Alpha-Mannosidosis (8.9e-05 vs 0.0016), allowing no conclusion about variant significance. To our knowledge, no occurrence of c.1A>G in individuals affected with Alpha-Mannosidosis and no experimental evidence demonstrating its impact on protein function have been reported. Three clinical diagnostic laboratories have submitted clinical-significance assessments for this variant to ClinVar after 2014 without evidence for independent evaluation. All laboratories classified the variant as uncertain significance. Based on the evidence outlined above, the variant was classified as uncertain significance.

Labcorp Genetics (formerly Invitae), Labcorp
Classification: Uncertain significance for Deficiency of alpha-mannosidase. Last evaluated: 2022-10-13. Review status: criteria provided, single submitter. Criteria: Invitae Variant Classification Sherloc (09022015). Collection method: clinical testing. Allele origin: germline.
Comment: This sequence change affects the initiator methionine of the MAN2B1 mRNA. The next in-frame methionine is located at codon 24. This variant is present in population databases (no rsID available, gnomAD 0.04%). This variant has not been reported in the literature in individuals affected with MAN2B1-related conditions. ClinVar contains an entry for this variant (Variation ID: 552319). Experimental studies and prediction algorithms are not available or were not evaluated, and the functional significance of this variant is currently unknown. In summary, the available evidence is currently insufficient to determine the role of this variant in disease. Therefore, it has been classified as a Variant of Uncertain Significance.

GeneDx
Classification: Uncertain significance. Last evaluated: 2022-08-24. Review status: criteria provided, single submitter. Criteria: GeneDx Variant Classification Process June 2021. Collection method: clinical testing. Allele origin: germline. Affected: yes.
Comment: Initiation codon variant in a gene for which loss of function is a known mechanism of disease; Has not been previously published as pathogenic or benign to our knowledge

Genome-Nilou Lab
Classification: Uncertain significance for Deficiency of alpha-mannosidase. Last evaluated: 2021-09-05. Review status: criteria provided, single submitter. Criteria: ACMG Guidelines, 2015. Collection method: clinical testing. Allele origin: germline. Affected: no.

Illumina Laboratory Services, Illumina
Classification: Uncertain significance for Deficiency of alpha-mannosidase. Last evaluated: 2018-01-13. Review status: criteria provided, single submitter. Criteria: ICSL Variant Classification Criteria 13 December 2019. Collection method: clinical testing. Allele origin: germline.

Counsyl
Classification: Uncertain significance for Deficiency of alpha-mannosidase. Last evaluated: 2017-06-05. Review status: no assertion criteria provided. Collection method: clinical testing. Allele origin: unknown. Not counted in ClinVar's aggregate classification.

Literature cited by the submitters: PubMed 21505070 (cited by Counsyl).